The following is an entry in ClinVar:

NM_015443.4(KANSL1):c.1667T>G (p.Leu556Trp)

Gene: KANSL1 (KAT8 regulatory NSL complex subunit 1). Cytogenetic location: 17q21.31.
Variant type: single nucleotide variant.
Coding change: c.1667T>G on transcript NM_015443.4 (MANE Select); coding-DNA position 1667, T replaced by G.
Protein change: p.Leu556Trp; replaces leucine 556 with tryptophan.
Molecular consequence: missense variant.
Genome position (GRCh38, 1-based): chr17:46,066,718, A>C on the plus strand (T>G on the coding strand, the complement: KANSL1 is on the minus strand). VCF-style: chr17-46066718-A-C. GRCh37 (hg19) VCF-style: chr17-44144084-A-C.
Other names: p.L556W:TTG>TGG; c.1667T>G, p.Leu556Trp (NM_001193465.2, NM_001193466.2, NM_001379198.1); short protein forms L556W.
Identifiers: ClinVar variation 205792 (VCV000205792.7), dbSNP rs200449833, ClinGen allele CA315212.
Genomic context (GRCh38, chr17:46,066,718, plus strand): 5'-CGTTGCTTCTTATGTAATTGTTCCTCAGCATCAGAGCTGTCACCTGGAATGTGGTCTGCC[A>C]AGACAGGCTGAAGACTATACAAGGGGAAGGAAGAGTATTCTCAGAACACACAAAGAAACA-3'
Protein context (NP_056258.1, residues 546-566): NGVINTLQPV[Leu556Trp]ADHIPGDSSD

ClinVar aggregate classification (germline): Likely benign. Review status: criteria provided, multiple submitters, no conflicts (2 of 4 stars). 2 submissions from 2 submitters: Likely benign (2). Last evaluated 2025-09-08.

Conditions:
Koolen-de Vries syndrome (KDVS). Identifiers: Orphanet 96169, MedGen C1864871, MONDO:0012496, OMIM 610443.

Allele frequency attached by ClinVar (database versions not stated): gnomAD exomes 0.00002; ExAC 0.00003; ESP Exome Variant Server 0.00008; gnomAD 0.00008 and 0.00009; TOPMed 0.00008; 1000 Genomes Project 0.00020; 1000 Genomes Project 30x 0.00031.
gnomAD v4.1: 23 of 1,613,886 alleles (0.0014%); highest among the groups gnomAD compares: African/African-American, 0.027%; no homozygotes.

Submissions (2):

Labcorp Genetics (formerly Invitae), Labcorp
Classification: Likely benign for Koolen-de Vries syndrome. Last evaluated: 2025-09-08. Review status: criteria provided, single submitter. Criteria: Invitae Variant Classification Sherloc (09022015). Collection method: clinical testing. Allele origin: germline.

GeneDx
Classification: Likely benign. Last evaluated: 2016-07-07. Review status: criteria provided, single submitter. Criteria: GeneDx Variant Classification (06012015). Collection method: clinical testing. Allele origin: germline. Affected: yes.
Comment: This variant is considered likely benign or benign based on one or more of the following criteria: it is a conservative change, it occurs at a poorly conserved position in the protein, it is predicted to be benign by multiple in silico algorithms, and/or has population frequency not consistent with disease.